The following is an entry in ClinVar:

NM_004380.3(CREBBP):c.6983C>T (p.Ser2328Leu)

Gene: CREBBP (CREB binding lysine acetyltransferase; minus strand). Cytogenetic location: 16p13.3.
Variant type: single nucleotide variant.
Coding change: c.6983C>T on transcript NM_004380.3 (MANE Select); coding-DNA position 6983, C replaced by T.
Protein change: p.Ser2328Leu; replaces serine 2328 with leucine.
Molecular consequence: missense variant.
Genome position (GRCh38, 1-based): chr16:3,728,064, G>A on the plus strand (C>T on the coding strand, the complement: CREBBP is on the minus strand). VCF-style: chr16-3728064-G-A. GRCh37 (hg19) VCF-style: chr16-3778065-G-A.
Other names: c.6869C>T, p.Ser2290Leu (NM_001079846.1); c.6983C>T (NM_004380.2); short protein forms S2290L, S2328L.
Identifiers: ClinVar variation 2803627 (VCV002803627.4), dbSNP rs1567259787, ClinGen allele CA394550950.

ClinVar aggregate classification (germline): Uncertain significance. Review status: criteria provided, multiple submitters, no conflicts (2 of 4 stars). 2 submissions from 2 submitters: Uncertain significance (2). Last evaluated 2026-04-09.

Conditions:
CREBBP-related disorder. Also called: CREBBP-related condition; CREBBP-related disorders.
Rubinstein-Taybi syndrome (RSTS). Identifiers: Orphanet 783, MedGen C0035934, MONDO:0019188.

Allele frequency attached by ClinVar (database versions not stated): TOPMed below 0.00001.
gnomAD v4.1: 6 of 1,613,808 alleles (0.00037%); highest among the groups gnomAD compares: Admixed American, 0.0017%; no homozygotes.

Submissions (2):

PreventionGenetics, part of Exact Sciences
Classification: Uncertain significance for CREBBP-related condition. Last evaluated: 2026-04-09. Review status: criteria provided, single submitter. Criteria: ACMG Guidelines, 2015. Collection method: clinical testing. Allele origin: germline.
Comment: The CREBBP c.6983C>T variant is predicted to result in the amino acid substitution p.Ser2328Leu. To our knowledge, this variant has not been reported in the literature. This variant is reported in 0.0029% of alleles in individuals of Latino descent in gnomAD. At this time, the clinical significance of this variant is uncertain due to the absence of conclusive functional and genetic evidence.

Labcorp Genetics (formerly Invitae), Labcorp
Classification: Uncertain significance for Rubinstein-Taybi syndrome. Last evaluated: 2023-06-03. Review status: criteria provided, single submitter. Criteria: Invitae Variant Classification Sherloc (09022015). Collection method: clinical testing. Allele origin: germline.
Comment: In summary, the available evidence is currently insufficient to determine the role of this variant in disease. Therefore, it has been classified as a Variant of Uncertain Significance. Advanced modeling of protein sequence and biophysical properties (such as structural, functional, and spatial information, amino acid conservation, physicochemical variation, residue mobility, and thermodynamic stability) has been performed at Invitae for this missense variant, however the output from this modeling did not meet the statistical confidence thresholds required to predict the impact of this variant on CREBBP protein function. This variant has not been reported in the literature in individuals affected with CREBBP-related conditions. This variant is not present in population databases (gnomAD no frequency). This sequence change replaces serine, which is neutral and polar, with leucine, which is neutral and non-polar, at codon 2328 of the CREBBP protein (p.Ser2328Leu).